The following is an entry in ClinVar:

ClinVar aggregate classification (germline): Conflicting classifications of pathogenicity. Review status: criteria provided, conflicting classifications (1 of 4 stars). 3 submissions from 3 submitters: Uncertain significance (2); Likely benign (1). Last evaluated 2025-12-01.

Allele frequency attached by ClinVar (database versions not stated): gnomAD 0.00002.
gnomAD v4.1: 48 of 1,613,976 alleles (0.003%); highest among the groups gnomAD compares: Admixed American, 0.005%; no homozygotes.

Submissions (3):

Labcorp Genetics (formerly Invitae), Labcorp
Classification: Uncertain significance. Last evaluated: 2025-12-01. Review status: criteria provided, single submitter. Criteria: Invitae Variant Classification Sherloc (09022015). Collection method: clinical testing. Allele origin: germline.
Comment: This sequence change replaces proline, which is neutral and non-polar, with alanine, which is neutral and non-polar, at codon 495 of the CDH2 protein (p.Pro495Ala). This variant is present in population databases (rs200059562, gnomAD 0.009%). This variant has not been reported in the literature in individuals affected with CDH2-related conditions. ClinVar contains an entry for this variant (Variation ID: 1409888). An algorithm developed to predict the effect of missense changes on protein structure and function (PolyPhen-2) suggests that this variant is likely to be disruptive. In summary, the available evidence is currently insufficient to determine the role of this variant in disease. Therefore, it has been classified as a Variant of Uncertain Significance.

Clinical Genetics Laboratory, Skane University Hospital Lund
Classification: Uncertain significance. Last evaluated: 2022-05-27. Review status: criteria provided, single submitter. Criteria: ACMG Guidelines, 2015. Collection method: clinical testing. Allele origin: germline. Affected: yes.

Blueprint Genetics
Classification: Likely benign. Last evaluated: 2019-05-02. Review status: criteria provided, single submitter. Criteria: ACMG Guidelines, 2015. Collection method: clinical testing. Allele origin: germline.

NM_001792.5(CDH2):c.1483C>G (p.Pro495Ala)

Gene: CDH2 (cadherin 2; minus strand). Cytogenetic location: 18q12.1.
Variant type: single nucleotide variant.
Coding change: c.1483C>G on transcript NM_001792.5 (MANE Select); coding-DNA position 1483, C replaced by G.
Protein change: p.Pro495Ala; replaces proline 495 with alanine.
Molecular consequence: missense variant.
Genome position (GRCh38, 1-based): chr18:27,990,212, G>C on the plus strand (C>G on the coding strand, the complement: CDH2 is on the minus strand). VCF-style: chr18-27990212-G-C. GRCh37 (hg19) VCF-style: chr18-25570176-G-C.
Other names: c.1390C>G, p.Pro464Ala (NM_001308176.2); short protein forms P464A, P495A.
Identifiers: ClinVar variation 1409888 (VCV001409888.10), dbSNP rs200059562, ClinGen allele CA8923383.